The following is an entry in ClinVar:

ClinVar aggregate classification (germline): Pathogenic (1 of 4 stars; one submission).

Conditions:
Glutaric aciduria, type 1. Also called: GA I; Glutaricaciduria, type I; Glutaric Acidemia Type 1; Glutaryl-CoA dehydrogenase deficiency; Glutaric acidemia type I; Glutaricacidemia Type 1. Identifiers: Orphanet 25, MedGen C0268595, MONDO:0009281, OMIM 231670.

Submission:

Labcorp Genetics (formerly Invitae), Labcorp
Classification: Pathogenic for Glutaric aciduria, type 1. Last evaluated: 2023-10-31. Review status: criteria provided, single submitter. Criteria: Invitae Variant Classification Sherloc (09022015). Collection method: clinical testing. Allele origin: germline.
Comment: This sequence change creates a premature translational stop signal (p.Gln37*) in the GCDH gene. It is expected to result in an absent or disrupted protein product. Loss-of-function variants in GCDH are known to be pathogenic (PMID: 10699052, 11854167, 16602100). This variant is not present in population databases (gnomAD no frequency). This variant has not been reported in the literature in individuals affected with GCDH-related conditions. For these reasons, this variant has been classified as Pathogenic.

Literature cited by the submitters: PubMed 10699052; PubMed 11854167; PubMed 16602100.

NM_000159.4(GCDH):c.109C>T (p.Gln37Ter)

Genes: GCDH (glutaryl-CoA dehydrogenase; plus strand), LOC117125594 (CRISPRi-FlowFISH-validated KLF1 regulatory element; plus strand). Cytogenetic location: 19p13.13.
Variant type: single nucleotide variant.
Coding change: c.109C>T on transcript NM_000159.4 (MANE Select); coding-DNA position 109, C replaced by T.
Protein change: p.Gln37Ter; replaces glutamine 37 with a stop codon.
Molecular consequence: nonsense. On other transcripts: non-coding transcript variant (2).
Genome position (GRCh38, 1-based): chr19:12,891,504, C>T. VCF-style: chr19-12891504-C-T. GRCh37 (hg19) VCF-style: chr19-13002318-C-T.
Other names: c.109C>T, p.Gln37Ter (NM_013976.5); short protein forms Q37*.
Identifiers: ClinVar variation 2773062 (VCV002773062.3), dbSNP rs2512563894, ClinGen allele CA404314371.